The following is an entry in ClinVar:

NM_033305.3(VPS13A):c.5480del (p.Pro1827fs)

Gene: VPS13A (vacuolar protein sorting 13 homolog A; plus strand). Cytogenetic location: 9q21.2.
Variant type: Deletion.
Coding change: c.5480del on transcript NM_033305.3 (MANE Select); coding-DNA position 5480, one base deleted (C; older notation c.5480delC).
Protein change: p.Pro1827fs; shifts the reading frame from proline 1827.
Molecular consequence: frameshift variant.
Genome position (GRCh38, 1-based): chr9:77,321,233, C deleted; the last of 2 consecutive C bases (chr9:77,321,232-77,321,233); deleting either gives the same sequence. VCF-style (leftmost placement, unchanged base first): chr9-77321231-GC-G. GRCh37 (hg19) VCF-style: chr9-79936147-GC-G.
Other names: c.5363del, p.Pro1788fs (NM_001018037.2); c.5480del, p.Pro1827fs (NM_001018038.3, NM_015186.4); short protein forms P1788fs, P1827fs.
Identifiers: ClinVar variation 1411521 (VCV001411521.7), dbSNP rs1829725848, ClinGen allele CA1857198719.

ClinVar aggregate classification (germline): Pathogenic (1 of 4 stars; one submission).

Submission:

Labcorp Genetics (formerly Invitae), Labcorp
Classification: Pathogenic. Last evaluated: 2021-05-07. Review status: criteria provided, single submitter. Criteria: Invitae Variant Classification Sherloc (09022015). Collection method: clinical testing. Allele origin: germline.
Comment: For these reasons, this variant has been classified as Pathogenic. This variant has not been reported in the literature in individuals with VPS13A-related conditions. This variant is not present in population databases (ExAC no frequency). This sequence change creates a premature translational stop signal (p.Pro1827Glnfs*15) in the VPS13A gene. It is expected to result in an absent or disrupted protein product. Loss-of-function variants in VPS13A are known to be pathogenic (PMID: 12404112, 21598378).

Literature cited by the submitters: PubMed 12404112; PubMed 21598378.